The following is an entry in ClinVar:

ClinVar aggregate classification (germline): Benign/Likely benign. Review status: criteria provided, multiple submitters, no conflicts (2 of 4 stars). 15 submissions from 14 submitters: Benign (1); Likely benign (9). 5 of the submissions do not count toward it. Last evaluated 2026-02-04.

Conditions:
NOTCH1-related disorder. Also called: NOTCH1-related condition; NOTCH1-related disorders.
Connective tissue disorder. Also called: Connective tissue disease. Identifiers: MedGen C0009782, MONDO:0003900.
Familial thoracic aortic aneurysm and aortic dissection (TAAD). Also called: Thoracic aortic aneurysms and dissections. Identifiers: Orphanet 91387, MedGen C4707243, MONDO:0019625.
Adams-Oliver syndrome 5 (AOS5). Identifiers: Orphanet 974, MedGen C4014970, MONDO:0014459, OMIM 616028.
Aortic valve disease 1 (AOVD1). Identifiers: MedGen C3887892, MONDO:0024523, OMIM 109730.

Allele frequency attached by ClinVar (database versions not stated): 1000 Genomes Project 30x 0.00016; 1000 Genomes Project 0.00020; ExAC 0.00022; gnomAD exomes 0.00025; gnomAD 0.00034 and 0.00040; TOPMed 0.00042; ESP Exome Variant Server 0.00091.
gnomAD v4.1: 955 of 1,594,840 alleles (0.06%); highest among the groups gnomAD compares: Non-Finnish European, 0.077%; 5 homozygotes.

Submissions (15):

Labcorp Genetics (formerly Invitae), Labcorp
Classification: Likely benign for Adams-Oliver syndrome 5. Last evaluated: 2026-02-04. Review status: criteria provided, single submitter. Criteria: Invitae Variant Classification Sherloc (09022015). Collection method: clinical testing. Allele origin: germline.

Blueprint Genetics
Classification: Likely benign. Last evaluated: 2024-09-13. Review status: criteria provided, single submitter. Criteria: ACMG Guidelines, 2015. Collection method: clinical testing. Allele origin: germline.

CeGaT Center for Human Genetics Tuebingen
Classification: Likely benign. Last evaluated: 2023-09-01. Review status: criteria provided, single submitter. Criteria: CeGaT Center For Human Genetics Tuebingen Variant Classification Criteria Version 2. Collection method: clinical testing. Allele origin: germline. Affected: yes. Observed: 1 variant allele.
Comment: NOTCH1: BP4

Women's Health and Genetics/Laboratory Corporation of America, LabCorp
Classification: Benign. Last evaluated: 2023-08-24. Review status: criteria provided, single submitter. Criteria: LabCorp Variant Classification Summary - May 2015. Collection method: clinical testing. Allele origin: germline.

Genome-Nilou Lab
Classification: Likely benign for Adams-Oliver syndrome 5. Last evaluated: 2022-03-15. Review status: criteria provided, single submitter. Criteria: ACMG Guidelines, 2015. Collection method: clinical testing. Allele origin: germline. Affected: no.

Genome-Nilou Lab
Classification: Likely benign for Aortic valve disease 1. Last evaluated: 2022-03-15. Review status: criteria provided, single submitter. Criteria: ACMG Guidelines, 2015. Collection method: clinical testing. Allele origin: germline. Affected: no.

CHEO Genetics Diagnostic Laboratory, Children's Hospital of Eastern Ontario
Classification: Likely benign for Familial thoracic aortic aneurysm and aortic dissection. Last evaluated: 2021-11-02. Review status: criteria provided, single submitter. Criteria: ACMG Guidelines, 2015. Collection method: clinical testing. Allele origin: germline.

GeneDx
Classification: Likely benign. Last evaluated: 2021-07-28. Review status: criteria provided, single submitter. Criteria: GeneDx Variant Classification Process June 2021. Collection method: clinical testing. Allele origin: germline. Affected: yes.
Comment: This variant is associated with the following publications: (PMID: 26582918)

Ambry Genetics
Classification: Likely benign for Familial thoracic aortic aneurysm and aortic dissection. Last evaluated: 2018-05-21. Review status: criteria provided, single submitter. Criteria: Ambry Variant Classification Scheme 2023. Collection method: clinical testing. Allele origin: germline.

Center for Human Genetics, Inc
Classification: Likely benign for Connective tissue disorder. Last evaluated: 2016-11-01. Review status: criteria provided, single submitter. Criteria: ACMG Guidelines, 2015. Collection method: clinical testing. Allele origin: germline. Affected: yes.

PreventionGenetics, part of Exact Sciences
Classification: Likely benign for NOTCH1-related condition. Last evaluated: 2019-04-17. Review status: no assertion criteria provided. Collection method: clinical testing. Allele origin: germline. Not counted in ClinVar's aggregate classification.
Comment: This variant is classified as likely benign based on ACMG/AMP sequence variant interpretation guidelines (Richards et al. 2015 PMID: 25741868, with internal and published modifications).

Clinical Genetics DNA and cytogenetics Diagnostics Lab, Erasmus MC, Erasmus Medical Center
Classification: Likely benign. Review status: no assertion criteria provided. Collection method: clinical testing. Allele origin: germline. Affected: yes. Study: VKGL Data-share Consensus. Not counted in ClinVar's aggregate classification.

Genome Diagnostics Laboratory, Amsterdam University Medical Center
Classification: Likely benign. Review status: no assertion criteria provided. Collection method: clinical testing. Allele origin: germline. Affected: yes. Study: VKGL Data-share Consensus. Not counted in ClinVar's aggregate classification.

Genome Diagnostics Laboratory, University Medical Center Utrecht
Classification: Likely benign. Review status: no assertion criteria provided. Collection method: clinical testing. Allele origin: germline. Affected: yes. Study: VKGL Data-share Consensus. Not counted in ClinVar's aggregate classification.

Joint Genome Diagnostic Labs from Nijmegen and Maastricht, Radboudumc and MUMC+
Classification: Likely benign. Review status: no assertion criteria provided. Collection method: clinical testing. Allele origin: germline. Affected: yes. Study: VKGL Data-share Consensus. Not counted in ClinVar's aggregate classification.

NM_017617.5(NOTCH1):c.3644-4G>A

Gene: NOTCH1 (notch receptor 1; minus strand). Cytogenetic location: 9q34.3.
Variant type: single nucleotide variant.
Coding change: c.3644-4G>A on transcript NM_017617.5 (MANE Select); 4 bases into the intron before coding-DNA position 3644, G replaced by A.
Molecular consequence: intron variant.
Genome position (GRCh38, 1-based): chr9:136,506,977, C>T on the plus strand (G>A on the coding strand, the complement: NOTCH1 is on the minus strand). VCF-style: chr9-136506977-C-T. GRCh37 (hg19) VCF-style: chr9-139401429-C-T.
Other names: c.3644-4G>A (LRG_1122t1, NM_017617.4).
Identifiers: ClinVar variation 241137 (VCV000241137.51), dbSNP rs376161552, ClinGen allele CA5340835.